The following is an entry in ClinVar:

ClinVar aggregate classification (germline): Uncertain significance (1 of 4 stars; one submission).

Conditions:
Charcot-Marie-Tooth disease type 2. Also called: Charcot-Marie-Tooth type 2. Identifiers: Orphanet 64746, MedGen C0270914, MONDO:0018993.

Submission:

Labcorp Genetics (formerly Invitae), Labcorp
Classification: Uncertain significance for Charcot-Marie-Tooth disease type 2. Last evaluated: 2022-09-03. Review status: criteria provided, single submitter. Criteria: Invitae Variant Classification Sherloc (09022015). Collection method: clinical testing. Allele origin: germline.
Comment: This sequence change replaces cysteine, which is neutral and slightly polar, with arginine, which is basic and polar, at codon 461 of the GARS protein (p.Cys461Arg). This variant is not present in population databases (gnomAD no frequency). This variant has not been reported in the literature in individuals affected with GARS-related conditions. Algorithms developed to predict the effect of missense changes on protein structure and function are either unavailable or do not agree on the potential impact of this missense change (SIFT: "Deleterious"; PolyPhen-2: "Probably Damaging"; Align-GVGD: "Class C0"). In summary, the available evidence is currently insufficient to determine the role of this variant in disease. Therefore, it has been classified as a Variant of Uncertain Significance.

NM_002047.4(GARS1):c.1381T>C (p.Cys461Arg)

Gene: GARS1 (glycyl-tRNA synthetase 1; plus strand). Cytogenetic location: 7p14.3.
Variant type: single nucleotide variant.
Coding change: c.1381T>C on transcript NM_002047.4 (MANE Select); coding-DNA position 1381, T replaced by C.
Protein change: p.Cys461Arg; replaces cysteine 461 with arginine.
Molecular consequence: missense variant.
Genome position (GRCh38, 1-based): chr7:30,621,414, T>C. VCF-style: chr7-30621414-T-C. GRCh37 (hg19) VCF-style: chr7-30661030-T-C.
Other names: c.1219T>C, p.Cys407Arg (NM_001316772.1); short protein forms C407R, C461R.
Identifiers: ClinVar variation 2028878 (VCV002028878.4), dbSNP rs2534319882, ClinGen allele CA367128004.
Genomic context (GRCh38, chr7:30,621,414, plus strand): 5'-AATAAGTAAGTAATGTTTTTATTGATTATATCTTTTTAGGGTTGGATTGAGATTGTTGGA[T>C]GTGCTGATCGTTCCTGTTATGACCTCTCCTGTCATGCACGAGCCACCAAAGTCCCACTTG-3'
Protein context (NP_002038.2, residues 451-471): TSYGWIEIVG[Cys461Arg]ADRSCYDLSC